The following is an entry in ClinVar:

ClinVar aggregate classification (germline): Likely benign (1 of 4 stars; one submission).

gnomAD v4.1: 8 of 1,614,054 alleles (0.0005%); highest among the groups gnomAD compares: Admixed American, 0.0083%; no homozygotes.

Submission:

CeGaT Center for Human Genetics Tuebingen
Classification: Likely benign. Last evaluated: 2026-10-01. Review status: criteria provided, single submitter. Criteria: CeGaT Center For Human Genetics Tuebingen Variant Classification Criteria Version 2. Collection method: clinical testing. Allele origin: germline. Affected: yes. Observed: 1 variant allele.
Comment: SALL4: BS2

NM_020436.5(SALL4):c.1231G>C (p.Val411Leu)

Gene: SALL4 (spalt like transcription factor 4; minus strand). Cytogenetic location: 20q13.2.
Variant type: single nucleotide variant.
Coding change: c.1231G>C on transcript NM_020436.5 (MANE Select); coding-DNA position 1231, G replaced by C.
Protein change: p.Val411Leu; replaces valine 411 with leucine.
Molecular consequence: missense variant. On other transcripts: intron variant (1).
Genome position (GRCh38, 1-based): chr20:51,791,252, C>G on the plus strand (G>C on the coding strand, the complement: SALL4 is on the minus strand). VCF-style: chr20-51791252-C-G. GRCh37 (hg19) VCF-style: chr20-50407791-C-G.
Other names: c.1150+81G>C (NM_001318031.2); short protein forms V411L.
Identifiers: ClinVar variation 5041101 (VCV005041101.1).
Genomic context (GRCh38, chr20:51,791,252, plus strand): 5'-GGTGAAAGTGCACCTTGAGGTTGCCCTTGGTGGTGAAGCGATGACCACAGACAGAGCACA[C>G]GAAGGGTCTCTCTCCAGTGTGGGAGCGGAGGTGGATCTGCAAGGAGCTATCAGTCCCAAA-3'
Protein context (NP_065169.1, residues 401-421): LRSHTGERPF[Val411Leu]CSVCGHRFTT